The following is an entry in ClinVar:

ClinVar aggregate classification (germline): Pathogenic. Review status: criteria provided, single submitter (1 of 4 stars). 3 submissions from 3 submitters: Pathogenic (1). 2 of the submissions do not count toward it. Last evaluated 2022-09-01.

Conditions:
Brachyolmia-amelogenesis imperfecta syndrome. Also called: Tooth agenesis, selective, 6; Dental anomalies and short stature; PLATYSPONDYLY WITH AMELOGENESIS IMPERFECTA. Identifiers: Orphanet 2899, MedGen C1832594, MONDO:0011018, OMIM 601216. Disease mechanism: loss of function.

Submissions (3):

3billion
Classification: Pathogenic for Brachyolmia-amelogenesis imperfecta syndrome. Last evaluated: 2022-09-01. Review status: criteria provided, single submitter. Criteria: ACMG Guidelines, 2015. Collection method: clinical testing. Allele origin: germline. Affected: yes. Observed: 1 homozygote.
Comment: The variant is observed at an extremely low frequency in the gnomAD v2.1.1 dataset (total allele frequency: 0.003%). Frameshift variant is predicted to result in a loss or disruption of normal protein function through nonsense-mediated decay (NMD) or protein truncation. Multiple pathogenic variants are reported downstream of the variant. The variant has been reported to be associated with LTBP3 -related disorder (ClinVar ID: VCV000204496 / PMID: 25669657). Therefore, this variant is classified as Pathogenic according to the recommendation of ACMG/AMP guideline.

Institute of Human Genetics, University of Ulm
Classification: Pathogenic for Brachyolmia-amelogenesis imperfecta syndrome. Last evaluated: 2021-11-17. Review status: no assertion criteria provided. Collection method: research. Allele origin: germline. Inheritance: Autosomal recessive inheritance. Affected: yes. Observed: 2 variant alleles, 2 homozygotes. Not counted in ClinVar's aggregate classification.

OMIM
Classification: Pathogenic for DENTAL ANOMALIES AND SHORT STATURE. Last evaluated: 2015-06-01. Review status: no assertion criteria provided. Collection method: literature only. Allele origin: germline. Not counted in ClinVar's aggregate classification.

Literature cited by the submitters: PubMed 25669657 (cited by 3billion and OMIM); PubMed 19213025 (cited by OMIM).

NM_001130144.3(LTBP3):c.2216del (p.Gly739fs)

Genes: LTBP3 (latent transforming growth factor beta binding protein 3; minus strand), LOC130006030 (ATAC-STARR-seq lymphoblastoid silent region 3533; plus strand). Cytogenetic location: 11q13.1.
Variant type: Deletion.
Coding change: c.2216del on transcript NM_001130144.3 (MANE Select); coding-DNA position 2216, one base deleted (G; older notation c.2216delG).
Protein change: p.Gly739fs; shifts the reading frame from glycine 739.
Molecular consequence: frameshift variant.
Genome position (GRCh38, 1-based): chr11:65,546,812, C deleted on the plus strand (G on the coding strand, the reverse complement: LTBP3 is on the minus strand); the first of 6 consecutive C bases (chr11:65,546,812-65,546,817); deleting any one gives the same sequence. VCF-style (leftmost placement, unchanged base first): chr11-65546811-GC-G. GRCh37 (hg19) VCF-style: chr11-65314282-GC-G.
Other names: c.1865del, p.Gly622fs (NM_001164266.1); c.2216del, p.Gly739fs (NM_021070.4); c.2216delG (NM_001130144.2); short protein forms G622fs, G739fs.
Identifiers: ClinVar variation 204496 (VCV000204496.4), dbSNP rs752375653, ClinGen allele CA6100710.
Genomic context (GRCh38, chr11:65,546,811, plus strand): 5'-GAGGCACCTGACGGCCCCACCCACTCGGCTCCGGGCCCCGCCCTCACCGCGACAGGCCCC[GC>G]CCCCCTGGCTGCGGTAGCCAGGCTGACAGGCGATGCACTTGAAGCTCCCGGGCTTGTTCT-3'